The following is an entry in ClinVar:

NM_000742.4(CHRNA2):c.195C>G (p.His65Gln)

Gene: CHRNA2 (cholinergic receptor nicotinic alpha 2 subunit; minus strand). Cytogenetic location: 8p21.2.
Variant type: single nucleotide variant.
Coding change: c.195C>G on transcript NM_000742.4 (MANE Select); coding-DNA position 195, C replaced by G.
Protein change: p.His65Gln; replaces histidine 65 with glutamine.
Molecular consequence: missense variant. On other transcripts: 5 prime UTR variant (4).
Genome position (GRCh38, 1-based): chr8:27,469,860, G>C on the plus strand (C>G on the coding strand, the complement: CHRNA2 is on the minus strand). VCF-style: chr8-27469860-G-C. GRCh37 (hg19) VCF-style: chr8-27327377-G-C.
Other names: c.195C>G, p.His65Gln (NM_001282455.2); c.-233C>G (NM_001347705.2); c.-278C>G (NM_001347706.2); c.-219C>G (NM_001347707.2); c.-267C>G (NM_001347708.2); short protein forms H65Q.
Identifiers: ClinVar variation 2131798 (VCV002131798.4), dbSNP rs2490576099, ClinGen allele CA370813098.

ClinVar aggregate classification (germline): Uncertain significance (1 of 4 stars; one submission).

Conditions:
Familial sleep-related hypermotor epilepsy. Also called: Autosomal Dominant Sleep-Related Hypermotor (Hyperkinetic) Epilepsy. Identifiers: Orphanet 98784, MedGen C3696898, MONDO:0000030.

Allele frequency attached by ClinVar (database versions not stated): gnomAD exomes below 0.00001.
gnomAD v4.1: 1 of 1,614,174 alleles (0.000062%); highest among the groups gnomAD compares: Non-Finnish European, 0.000085%; no homozygotes.

Submission:

Labcorp Genetics (formerly Invitae), Labcorp
Classification: Uncertain significance. Last evaluated: 2022-04-29. Review status: criteria provided, single submitter. Criteria: Invitae Variant Classification Sherloc (09022015). Collection method: clinical testing. Allele origin: germline.
Comment: In summary, the available evidence is currently insufficient to determine the role of this variant in disease. Therefore, it has been classified as a Variant of Uncertain Significance. Algorithms developed to predict the effect of sequence changes on RNA splicing suggest that this variant may create or strengthen a splice site. Advanced modeling of protein sequence and biophysical properties (such as structural, functional, and spatial information, amino acid conservation, physicochemical variation, residue mobility, and thermodynamic stability) performed at Invitae indicates that this missense variant is not expected to disrupt CHRNA2 protein function. This variant has not been reported in the literature in individuals affected with CHRNA2-related conditions. This variant is not present in population databases (gnomAD no frequency). This sequence change replaces histidine, which is basic and polar, with glutamine, which is neutral and polar, at codon 65 of the CHRNA2 protein (p.His65Gln).